The following is an entry in ClinVar:

ClinVar aggregate classification (germline): Uncertain significance (1 of 4 stars; one submission).

Conditions:
Neuronal ceroid lipofuscinosis. Also called: Neuronal Ceroid Lipofuscinoses. Identifiers: Orphanet 216, Orphanet 79263, MedGen C0027877, MONDO:0016295. Disease mechanism: loss of function.

Allele frequency attached by ClinVar (database versions not stated): TOPMed below 0.00001.

Submission:

Labcorp Genetics (formerly Invitae), Labcorp
Classification: Uncertain significance for Neuronal ceroid lipofuscinosis. Last evaluated: 2021-09-02. Review status: criteria provided, single submitter. Criteria: Invitae Variant Classification Sherloc (09022015). Collection method: clinical testing. Allele origin: germline.
Comment: This sequence change replaces aspartic acid with tyrosine at codon 13 of the CLN3 protein (p.Asp13Tyr). The aspartic acid residue is moderately conserved and there is a large physicochemical difference between aspartic acid and tyrosine. The frequency data for this variant in the population databases is considered unreliable, as metrics indicate poor data quality at this position in the ExAC database. This variant has not been reported in the literature in individuals affected with CLN3-related conditions. Algorithms developed to predict the effect of missense changes on protein structure and function are either unavailable or do not agree on the potential impact of this missense change (SIFT: "Deleterious"; PolyPhen-2: "Benign"; Align-GVGD: "Class C0"). In summary, the available evidence is currently insufficient to determine the role of this variant in disease. Therefore, it has been classified as a Variant of Uncertain Significance.

NM_001042432.2(CLN3):c.37G>T (p.Asp13Tyr)

Gene: CLN3 (CLN3 lysosomal/endosomal transmembrane protein, battenin; minus strand). Cytogenetic location: 16p12.1.
Variant type: single nucleotide variant.
Coding change: c.37G>T on transcript NM_001042432.2 (MANE Select); coding-DNA position 37, G replaced by T.
Protein change: p.Asp13Tyr; replaces aspartic acid 13 with tyrosine.
Molecular consequence: missense variant. On other transcripts: 5 prime UTR variant (3).
Genome position (GRCh38, 1-based): chr16:28,491,723, C>A on the plus strand (G>T on the coding strand, the complement: CLN3 is on the minus strand). VCF-style: chr16-28491723-C-A. GRCh37 (hg19) VCF-style: chr16-28503044-C-A.
Other names: c.37G>T, p.Asp13Tyr (NM_000086.2, NM_001286104.2); c.-105G>T (NM_001286105.2); c.-47G>T (NM_001286109.2, NM_001286110.2); short protein forms D13Y.
Identifiers: ClinVar variation 2141705 (VCV002141705.1), dbSNP rs754562266, ClinGen allele CA7981123.